The following is an entry in ClinVar:

NM_001453.3(FOXC1):c.458C>T (p.Thr153Met)

Gene: FOXC1 (forkhead box C1; plus strand). Cytogenetic location: 6p25.3.
Variant type: single nucleotide variant.
Coding change: c.458C>T on transcript NM_001453.3 (MANE Select); coding-DNA position 458, C replaced by T.
Protein change: p.Thr153Met; replaces threonine 153 with methionine.
Molecular consequence: missense variant.
Genome position (GRCh38, 1-based): chr6:1,610,903, C>T. VCF-style: chr6-1610903-C-T. GRCh37 (hg19) VCF-style: chr6-1611138-C-T.
Other names: short protein forms T153M.
Identifiers: ClinVar variation 4702894 (VCV004702894.1).

ClinVar aggregate classification (germline): Uncertain significance (1 of 4 stars; one submission).

Conditions:
Axenfeld-Rieger syndrome type 3 (RIEG3). Also called: AXENFELD-RIEGER ANOMALY WITH CARDIAC DEFECTS AND/OR SENSORINEURAL HEARING LOSS. Identifiers: Orphanet 782, MedGen C2678503, MONDO:0011233, OMIM 602482.

gnomAD v4.1: 1 of 1,613,996 alleles (0.000062%); highest among the groups gnomAD compares: Non-Finnish European, 0.000085%; no homozygotes.

Submission:

Labcorp Genetics (formerly Invitae), Labcorp
Classification: Uncertain significance for Axenfeld-Rieger syndrome type 3. Last evaluated: 2025-07-14. Review status: criteria provided, single submitter. Criteria: Invitae Variant Classification Sherloc (09022015). Collection method: clinical testing. Allele origin: germline.
Comment: This sequence change replaces threonine, which is neutral and polar, with methionine, which is neutral and non-polar, at codon 153 of the FOXC1 protein (p.Thr153Met). This variant is not present in population databases (gnomAD no frequency). This variant has not been reported in the literature in individuals affected with FOXC1-related conditions. An algorithm developed to predict the effect of missense changes on protein structure and function (PolyPhen-2) suggests that this variant is likely to be disruptive. In summary, the available evidence is currently insufficient to determine the role of this variant in disease. Therefore, it has been classified as a Variant of Uncertain Significance.